The following is an entry in ClinVar:

NC_000005.9:g.(?_138855846)_(138858113_?)del

Gene: STING1 (stimulator of interferon response cGAMP interactor 1; minus strand). Cytogenetic location: 5q31.2.
Variant type: Deletion.
Identifiers: ClinVar variation 1680232 (VCV001680232.4).

ClinVar aggregate classification (germline): Uncertain significance (1 of 4 stars; one submission).

Conditions:
STING-associated vasculopathy with onset in infancy. Also called: Sting-associated vasculopathy, infantile-onset. Identifiers: Orphanet 425120, MedGen C4014722, MONDO:0014405, OMIM 615934.

Submission:

Labcorp Genetics (formerly Invitae), Labcorp
Classification: Uncertain significance for STING-associated vasculopathy with onset in infancy. Last evaluated: 2023-06-05. Review status: criteria provided, single submitter. Criteria: Invitae Variant Classification Sherloc (09022015). Collection method: clinical testing. Allele origin: germline.
Comment: In summary, the available evidence is currently insufficient to determine the role of this variant in disease. Therefore, it has been classified as a Variant of Uncertain Significance. This variant has not been reported in the literature in individuals affected with TMEM173-related conditions. This variant is a gross deletion of the genomic region encompassing exon(s) 6-8 of the TMEM173 gene, which includes the termination codon. This deletion extends beyond the assayed region for this gene and therefore may encompass additional genes. While this deletion is not anticipated to lead to nonsense mediated decay, it is expected to alter mRNA translation or result in a truncated protein product.